The following is an entry in ClinVar:

ClinVar aggregate classification (germline): Uncertain significance. Review status: criteria provided, multiple submitters, no conflicts (2 of 4 stars). 2 submissions from 2 submitters: Uncertain significance (2). Last evaluated 2023-09-22.

Conditions:
Bethlem myopathy 1A. Also called: MYOPATHY, BENIGN CONGENITAL, WITH CONTRACTURES; Bethlem myopathy 1; Bethlem Muscular Dystrophy. Identifiers: Orphanet 610, MedGen CN029274, MONDO:0024530, OMIM 158810.

gnomAD v4.1: 5 of 1,608,126 alleles (0.00031%); highest among the groups gnomAD compares: Admixed American, 0.0067%; no homozygotes.

Submissions (2):

Women's Health and Genetics/Laboratory Corporation of America, LabCorp
Classification: Uncertain significance. Last evaluated: 2023-09-22. Review status: criteria provided, single submitter. Criteria: LabCorp Variant Classification Summary - May 2015. Collection method: clinical testing. Allele origin: germline.
Comment: Variant summary: COL6A2 c.2917G>T (p.Val973Leu) results in a conservative amino acid change located in the von Willebrand factor, type A domain (IPR002035) of the encoded protein sequence. Four of five in-silico tools predict a damaging effect of the variant on protein function. The variant allele was found at a frequency of 1.2e-05 in 244972 control chromosomes (gnomAD). The available data on variant occurrences in the general population are insufficient to allow any conclusion about variant significance. To our knowledge, no occurrence of c.2917G>T in individuals affected with Collagen Type VI-Related Disorders and no experimental evidence demonstrating its impact on protein function have been reported. One submitter has cited a clinical-significance assessment for this variant to ClinVar after 2014 and has classified the variant as uncertain significance. Based on the evidence outlined above, the variant was classified as uncertain significance.

Labcorp Genetics (formerly Invitae), Labcorp
Classification: Uncertain significance for Bethlem myopathy 1A. Last evaluated: 2022-07-05. Review status: criteria provided, single submitter. Criteria: Invitae Variant Classification Sherloc (09022015). Collection method: clinical testing. Allele origin: germline.
Comment: In summary, the available evidence is currently insufficient to determine the role of this variant in disease. Therefore, it has been classified as a Variant of Uncertain Significance. Advanced modeling of protein sequence and biophysical properties (such as structural, functional, and spatial information, amino acid conservation, physicochemical variation, residue mobility, and thermodynamic stability) performed at Invitae indicates that this missense variant is expected to disrupt COL6A2 protein function. ClinVar contains an entry for this variant (Variation ID: 1521473). This variant has not been reported in the literature in individuals affected with COL6A2-related conditions. The frequency data for this variant in the population databases is considered unreliable, as metrics indicate poor data quality at this position in the gnomAD database. This sequence change replaces valine, which is neutral and non-polar, with leucine, which is neutral and non-polar, at codon 973 of the COL6A2 protein (p.Val973Leu).

NM_001849.4(COL6A2):c.2917G>T (p.Val973Leu)

Gene: COL6A2 (collagen type VI alpha 2 chain; plus strand). Cytogenetic location: 21q22.3.
Variant type: single nucleotide variant.
Coding change: c.2917G>T on transcript NM_001849.4 (MANE Select); coding-DNA position 2917, G replaced by T.
Protein change: p.Val973Leu; replaces valine 973 with leucine.
Molecular consequence: missense variant.
Genome position (GRCh38, 1-based): chr21:46,132,409, G>T. VCF-style: chr21-46132409-G-T. GRCh37 (hg19) VCF-style: chr21-47552323-G-T.
Other names: c.2917G>T (NM_001849.3); short protein forms V973L.
Identifiers: ClinVar variation 1521473 (VCV001521473.9), dbSNP rs145959270, ClinGen allele CA410550028.